The following is an entry in ClinVar:

NM_001161352.2(KCNMA1):c.1860G>C (p.Glu620Asp)

Gene: KCNMA1 (potassium calcium-activated channel subfamily M alpha 1; minus strand). Cytogenetic location: 10q22.3.
Variant type: single nucleotide variant.
Coding change: c.1860G>C on transcript NM_001161352.2 (MANE Select); coding-DNA position 1860, G replaced by C.
Protein change: p.Glu620Asp; replaces glutamic acid 620 with aspartic acid.
Molecular consequence: missense variant.
Genome position (GRCh38, 1-based): chr10:77,027,891, C>G on the plus strand (G>C on the coding strand, the complement: KCNMA1 is on the minus strand). VCF-style: chr10-77027891-C-G. GRCh37 (hg19) VCF-style: chr10-78787649-C-G.
Other names: c.1860G>C (NM_002247.3); c.1860G>C, p.Glu620Asp (NM_001014797.3, NM_001161353.2, NM_001271519.2 and 8 more transcripts); c.1698G>C, p.Glu566Asp (NM_001271518.2); c.1320G>C, p.Glu440Asp (NM_001322838.2); short protein forms E620D, E440D, E566D.
Identifiers: ClinVar variation 1950444 (VCV001950444.4), dbSNP rs770226520, ClinGen allele CA5568313.

ClinVar aggregate classification (germline): Uncertain significance. Review status: criteria provided, multiple submitters, no conflicts (2 of 4 stars). 2 submissions from 2 submitters: Uncertain significance (2). Last evaluated 2025-10-21.

Conditions:
Inborn genetic diseases. Identifiers: MedGen C0950123, MeSH D030342.
Generalized epilepsy-paroxysmal dyskinesia syndrome (PNKD3). Also called: Paroxysmal nonkinesigenic dyskinesia, 3, with or without generalized epilepsy; Generalized epilepsy and paroxysmal dyskinesia. Identifiers: Orphanet 79137, MedGen C5574945, MONDO:0012276, OMIM 609446.

Allele frequency attached by ClinVar (database versions not stated): TOPMed below 0.00001; gnomAD 0.00001; gnomAD exomes 0.00001.
gnomAD v4.1: 5 of 1,613,242 alleles (0.00031%); highest among the groups gnomAD compares: Non-Finnish European, 0.000085%; no homozygotes.

Submissions (2):

Ambry Genetics
Classification: Uncertain significance for Inborn genetic diseases. Last evaluated: 2025-10-21. Review status: criteria provided, single submitter. Criteria: Ambry Variant Classification Scheme 2023. Collection method: clinical testing. Allele origin: germline.
Comment: The c.1860G>C (p.E620D) alteration is located in exon 16 (coding exon 16) of the KCNMA1 gene. This alteration results from a G to C substitution at nucleotide position 1860, causing the glutamic acid (E) at amino acid position 620 to be replaced by an aspartic acid (D). Based on data from gnomAD, the C allele has an overall frequency of 0.001% (3/250448) total alleles studied. The highest observed frequency was <0.001% (/) of alleles. This amino acid position is highly conserved in available vertebrate species. This missense alteration is located in a region that has a low rate of benign missense variation (Lek, 2016; Firth, 2009). The in silico prediction for this alteration is inconclusive. Based on insufficient or conflicting evidence, the clinical significance of this alteration remains unclear.

Labcorp Genetics (formerly Invitae), Labcorp
Classification: Uncertain significance for Generalized epilepsy-paroxysmal dyskinesia syndrome. Last evaluated: 2022-09-12. Review status: criteria provided, single submitter. Criteria: Invitae Variant Classification Sherloc (09022015). Collection method: clinical testing. Allele origin: germline.
Comment: In summary, the available evidence is currently insufficient to determine the role of this variant in disease. Therefore, it has been classified as a Variant of Uncertain Significance. Algorithms developed to predict the effect of sequence changes on RNA splicing suggest that this variant may disrupt the consensus splice site. Algorithms developed to predict the effect of missense changes on protein structure and function (SIFT, PolyPhen-2, Align-GVGD) all suggest that this variant is likely to be tolerated. This variant has not been reported in the literature in individuals affected with KCNMA1-related conditions. This variant is present in population databases (rs770226520, gnomAD 0.03%). This sequence change replaces glutamic acid, which is acidic and polar, with aspartic acid, which is acidic and polar, at codon 620 of the KCNMA1 protein (p.Glu620Asp).